The following is an entry in ClinVar:

ClinVar aggregate classification (germline): Pathogenic/Likely pathogenic. Review status: criteria provided, multiple submitters, no conflicts (2 of 4 stars). 3 submissions from 3 submitters: Pathogenic (2); Likely pathogenic (1). Last evaluated 2024-12-02.

Conditions:
Bardet-Biedl syndrome (BBS). Identifiers: Orphanet 110, MedGen C0752166, MONDO:0015229.
Bardet-Biedl syndrome 4 (BBS4). Identifiers: Orphanet 110, MedGen C2936864, MONDO:0014433, OMIM 615982.

Submissions (3):

Labcorp Genetics (formerly Invitae), Labcorp
Classification: Pathogenic for Bardet-Biedl syndrome. Last evaluated: 2024-12-02. Review status: criteria provided, single submitter. Criteria: Invitae Variant Classification Sherloc (09022015). Collection method: clinical testing. Allele origin: germline.
Comment: This sequence change creates a premature translational stop signal (p.Gln394*) in the BBS4 gene. It is expected to result in an absent or disrupted protein product. Loss-of-function variants in BBS4 are known to be pathogenic (PMID: 11381270, 12016587, 20177705, 27894351). This variant is not present in population databases (gnomAD no frequency). This premature translational stop signal has been observed in individual(s) with Bardet–Biedl syndrome (PMID: 22353939). ClinVar contains an entry for this variant (Variation ID: 2137734). For these reasons, this variant has been classified as Pathogenic.

Baylor Genetics
Classification: Pathogenic for Bardet-Biedl syndrome 4. Last evaluated: 2024-03-03. Review status: criteria provided, single submitter. Criteria: ACMG Guidelines, 2015. Collection method: clinical testing. Allele origin: unknown.

Revvity Omics, Revvity
Classification: Likely pathogenic for Bardet-Biedl syndrome 4. Last evaluated: 2021-12-22. Review status: criteria provided, single submitter. Criteria: ACMG Guidelines, 2015. Collection method: clinical testing. Allele origin: germline.

Literature cited by the submitters: PubMed 11381270 (cited by Labcorp Genetics (formerly Invitae), Labcorp); PubMed 12016587 (cited by Labcorp Genetics (formerly Invitae), Labcorp); PubMed 20177705 (cited by Labcorp Genetics (formerly Invitae), Labcorp); PubMed 27894351 (cited by Labcorp Genetics (formerly Invitae), Labcorp); PubMed 22353939 (cited by Labcorp Genetics (formerly Invitae), Labcorp).

NM_033028.5(BBS4):c.1180C>T (p.Gln394Ter)

Gene: BBS4 (Bardet-Biedl syndrome 4; plus strand). Cytogenetic location: 15q24.1.
Variant type: single nucleotide variant.
Coding change: c.1180C>T on transcript NM_033028.5 (MANE Select); coding-DNA position 1180, C replaced by T.
Protein change: p.Gln394Ter; replaces glutamine 394 with a stop codon.
Molecular consequence: nonsense. On other transcripts: non-coding transcript variant (2).
Genome position (GRCh38, 1-based): chr15:72,735,898, C>T. VCF-style: chr15-72735898-C-T. GRCh37 (hg19) VCF-style: chr15-73028239-C-T.
Other names: c.664C>T, p.Gln222Ter (NM_001252678.2); c.1111C>T, p.Gln371Ter (NM_001320665.2); short protein forms Q371*, Q394*, Q222*.
Identifiers: ClinVar variation 2137734 (VCV002137734.8), dbSNP rs2543012369, ClinGen allele CA393080103.